The following is an entry in ClinVar:

NC_000001.11:g.(?_46188709)_(46194411_?)dup

Gene: POMGNT1 (protein O-linked mannose N-acetylglucosaminyltransferase 1 (beta 1,2-); minus strand). Cytogenetic location: 1p34.1.
Variant type: Duplication.
Identifiers: ClinVar variation 831945 (VCV000831945.2).

ClinVar aggregate classification (germline): Uncertain significance (1 of 4 stars; one submission).

Conditions:
Autosomal recessive limb-girdle muscular dystrophy type 2O. Also called: MUSCULAR DYSTROPHY-DYSTROGLYCANOPATHY (LIMB-GIRDLE), TYPE C, 3; MUSCULAR DYSTROPHY-DYSTROGLYCANOPATHY, LIMB-GIRDLE, POMGNT1-RELATED; Limb-Girdle Muscular Dystrophy Type 3C. Identifiers: Orphanet 206564, MedGen C3150417, MONDO:0013161, OMIM 613157.
Muscular dystrophy-dystroglycanopathy (congenital with impaired intellectual development), type B, 3. Also called: MUSCULAR DYSTROPHY, CONGENITAL, POMGNT1-RELATED; Muscular dystrophy-dystroglycanopathy (congenital with intellectual disability), type B3. Identifiers: MedGen C3150412, MONDO:0013155, OMIM 613151.

Submission:

Labcorp Genetics (formerly Invitae), Labcorp
Classification: Uncertain significance for Limb-girdle muscular dystrophy-dystroglycanopathy, type C3; Congenital muscular dystrophy-dystroglycanopathy with mental retardation, type B3. Last evaluated: 2019-03-08. Review status: criteria provided, single submitter. Criteria: Invitae Variant Classification Sherloc (09022015). Collection method: clinical testing. Allele origin: germline.
Comment: This variant results in a copy number gain of the genomic region encompassing exons 9-22 of the POMGNT1 gene. The 5' boundary is likely confined to intron 8. The 3' end of this event is unknown as it extends beyond the assayed region for this gene and therefore may encompass additional genes. As the precise location of this event is unknown, it may be in tandem or it may be located elsewhere in the genome. This variant has not been reported in the literature in individuals with POMGNT1-related conditions. In summary, the available evidence is currently insufficient to determine the role of this variant in disease. Therefore, it has been classified as a Variant of Uncertain Significance.